The following is an entry in ClinVar:

ClinVar aggregate classification (germline): Conflicting classifications of pathogenicity. Review status: criteria provided, conflicting classifications (1 of 4 stars). 3 submissions from 3 submitters: Likely pathogenic (1); Uncertain significance (2). Last evaluated 2026-02-19.

Conditions:
Cardiovascular phenotype. Identifiers: MedGen CN230736.
Brugada syndrome 8 (BRGDA8). Identifiers: Orphanet 130, MedGen C2751083, MONDO:0013148, OMIM 613123.

Allele frequency attached by ClinVar (database versions not stated): gnomAD exomes below 0.00001; TOPMed 0.00001.
gnomAD v4.1: 3 of 1,614,162 alleles (0.00019%); highest among the groups gnomAD compares: Non-Finnish European, 0.000085%; no homozygotes.

Submissions (3):

Ambry Genetics
Classification: Uncertain significance for Cardiovascular phenotype. Last evaluated: 2026-02-19. Review status: criteria provided, single submitter. Criteria: Ambry Variant Classification Scheme 2023. Collection method: clinical testing. Allele origin: germline.
Comment: The p.R375H variant (also known as c.1124G>A), located in coding exon 2 of the HCN4 gene, results from a G to A substitution at nucleotide position 1124. The arginine at codon 375 is replaced by histidine, an amino acid with highly similar properties. This amino acid position is highly conserved in available vertebrate species. In addition, this alteration is predicted to be deleterious by in silico analysis. Based on the available evidence, the clinical significance of this variant remains unclear.

Labcorp Genetics (formerly Invitae), Labcorp
Classification: Likely pathogenic for Brugada syndrome 8. Last evaluated: 2026-01-26. Review status: criteria provided, single submitter. Criteria: Invitae Variant Classification Sherloc (09022015). Collection method: clinical testing. Allele origin: germline.
Comment: This sequence change replaces arginine, which is basic and polar, with histidine, which is basic and polar, at codon 375 of the HCN4 protein (p.Arg375His). This variant is present in population databases (no rsID available, gnomAD 0.004%). This variant has not been reported in the literature in individuals affected with HCN4-related conditions. ClinVar contains an entry for this variant (Variation ID: 1514023). Invitae Evidence Modeling of protein sequence and biophysical properties (such as structural, functional, and spatial information, amino acid conservation, physicochemical variation, residue mobility, and thermodynamic stability) indicates that this missense variant is expected to disrupt HCN4 protein function with a positive predictive value of 95%. This variant disrupts the p.Arg375 amino acid residue in HCN4. Other variant(s) that disrupt this residue have been determined to be pathogenic (PMID: 26688388, 30471092, 30578647, 33008772). This suggests that this residue is clinically significant, and that variants that disrupt this residue are likely to be disease-causing. In summary, the currently available evidence indicates that the variant is pathogenic, but additional data are needed to prove that conclusively. Therefore, this variant has been classified as Likely Pathogenic.

Blueprint Genetics
Classification: Uncertain significance. Last evaluated: 2024-09-03. Review status: criteria provided, single submitter. Criteria: ACMG Guidelines, 2015. Collection method: clinical testing. Allele origin: germline.

Literature cited by the submitters: PubMed 26688388 (cited by Labcorp Genetics (formerly Invitae), Labcorp); PubMed 30471092 (cited by Labcorp Genetics (formerly Invitae), Labcorp); PubMed 30578647 (cited by Labcorp Genetics (formerly Invitae), Labcorp); PubMed 33008772 (cited by Labcorp Genetics (formerly Invitae), Labcorp).

NM_005477.3(HCN4):c.1124G>A (p.Arg375His)

Genes: HCN4 (hyperpolarization activated cyclic nucleotide gated potassium channel 4; minus strand), LOC105370890 (uncharacterized LOC105370890; plus strand), LOC126862173 (CDK7 strongly-dependent group 2 enhancer GRCh37_chr15:73635762-73636961; plus strand). Cytogenetic location: 15q24.1.
Variant type: single nucleotide variant.
Coding change: c.1124G>A on transcript NM_005477.3 (MANE Select); coding-DNA position 1124, G replaced by A.
Protein change: p.Arg375His; replaces arginine 375 with histidine.
Molecular consequence: missense variant.
Genome position (GRCh38, 1-based): chr15:73,343,470, C>T on the plus strand (G>A on the coding strand, the complement: HCN4 is on the minus strand). VCF-style: chr15-73343470-C-T. GRCh37 (hg19) VCF-style: chr15-73635811-C-T.
Other names: c.1124G>A (NM_005477.2); short protein forms R375H.
Identifiers: ClinVar variation 1514023 (VCV001514023.7), dbSNP rs1238684043, ClinGen allele CA393094802.